The following is an entry in ClinVar:

NM_004614.5(TK2):c.500G>A (p.Trp167Ter)

Gene: TK2 (thymidine kinase 2; minus strand). Cytogenetic location: 16q21.
Variant type: single nucleotide variant.
Coding change: c.500G>A on transcript NM_004614.5 (MANE Select); coding-DNA position 500, G replaced by A.
Protein change: p.Trp167Ter; replaces tryptophan 167 with a stop codon.
Molecular consequence: nonsense. On other transcripts: non-coding transcript variant (1), intron variant (1).
Genome position (GRCh38, 1-based): chr16:66,517,827, C>T on the plus strand (G>A on the coding strand, the complement: TK2 is on the minus strand). VCF-style: chr16-66517827-C-T. GRCh37 (hg19) VCF-style: chr16-66551730-C-T.
Other names: c.407G>A, p.Trp136Ter (NM_001172643.1); c.425G>A, p.Trp142Ter (NM_001172644.2); c.446G>A, p.Trp149Ter (NM_001172645.2); c.353G>A, p.Trp118Ter (NM_001271934.2); c.209G>A, p.Trp70Ter (NM_001272050.2); c.357-4016G>A (NM_001271935.1); short protein forms W118*, W142*, W167*, W136*, W149*, W70*.
Identifiers: ClinVar variation 2810054 (VCV002810054.3), dbSNP rs2507091300, ClinGen allele CA396187900.

ClinVar aggregate classification (germline): Pathogenic (1 of 4 stars; one submission).

Allele frequency attached by ClinVar (database versions not stated): gnomAD exomes below 0.00001.
gnomAD v4.1: 1 of 1,614,188 alleles (0.000062%); highest among the groups gnomAD compares: Non-Finnish European, 0.000085%; no homozygotes.

Submission:

Labcorp Genetics (formerly Invitae), Labcorp
Classification: Pathogenic. Last evaluated: 2025-01-19. Review status: criteria provided, single submitter. Criteria: Invitae Variant Classification Sherloc (09022015). Collection method: clinical testing. Allele origin: germline.
Comment: This sequence change creates a premature translational stop signal (p.Trp167*) in the TK2 gene. It is expected to result in an absent or disrupted protein product. Loss-of-function variants in TK2 are known to be pathogenic (PMID: 20421844). This variant is not present in population databases (gnomAD no frequency). This variant has not been reported in the literature in individuals affected with TK2-related conditions. ClinVar contains an entry for this variant (Variation ID: 2810054). Algorithms developed to predict the effect of sequence changes on RNA splicing suggest that this variant may disrupt the consensus splice site. For these reasons, this variant has been classified as Pathogenic.

Literature cited by the submitters: PubMed 20421844.